The following is an entry in ClinVar:

ClinVar aggregate classification (germline): Conflicting classifications of pathogenicity. Review status: criteria provided, conflicting classifications (1 of 4 stars). 4 submissions from 4 submitters: Likely pathogenic (1); Uncertain significance (3). Last evaluated 2026-01-08.

Conditions:
Hereditary cancer-predisposing syndrome. Also called: Neoplastic Syndromes, Hereditary; Tumor predisposition; Hereditary Cancer Syndrome; Hereditary neoplastic syndrome. Identifiers: Orphanet 140162, MedGen C0027672, MeSH D009386, MONDO:0015356.
Dilated cardiomyopathy 1GG (CMD1GG). Identifiers: Orphanet 154, MedGen C3150898, MONDO:0013339, OMIM 613642.
SDHA-related disorder. Also called: SDHA-related condition; SDHA-related disorders.
Mitochondrial complex II deficiency, nuclear type 1. Also called: SUCCINATE CoQ REDUCTASE DEFICIENCY. Identifiers: Orphanet 3208, MedGen C5700310, MONDO:0100294, OMIM 252011.
Pheochromocytoma/paraganglioma syndrome 5. Also called: Paragangliomas 5; SDHA-Related Hereditary Paraganglioma-Pheochromocytoma Syndrome. Identifiers: Orphanet 29072, MedGen C3279992, MONDO:0013602, OMIM 614165.

Allele frequency attached by ClinVar (database versions not stated): gnomAD exomes below 0.00001 and 0.00001.
gnomAD v4.1: 8 of 1,614,210 alleles (0.0005%); highest among the groups gnomAD compares: Admixed American, 0.0017%; no homozygotes.

Submissions (4):

Labcorp Genetics (formerly Invitae), Labcorp
Classification: Uncertain significance for Pheochromocytoma/paraganglioma syndrome 5; Mitochondrial complex II deficiency, nuclear type 1. Last evaluated: 2026-01-08. Review status: criteria provided, single submitter. Criteria: Invitae Variant Classification Sherloc (09022015). Collection method: clinical testing. Allele origin: germline.
Comment: This sequence change replaces arginine, which is basic and polar, with histidine, which is basic and polar, at codon 312 of the SDHA protein (p.Arg312His). This variant is present in population databases (no rsID available, gnomAD 0.003%). This missense change has been observed in individual(s) with paraganglioma (PMID: 33362715). ClinVar contains an entry for this variant (Variation ID: 571301). Invitae Evidence Modeling of protein sequence and biophysical properties (such as structural, functional, and spatial information, amino acid conservation, physicochemical variation, residue mobility, and thermodynamic stability) has been performed for this missense variant. However, the output from this modeling did not meet the statistical confidence thresholds required to predict the impact of this variant on SDHA protein function. Experimental studies have shown that this missense change affects SDHA function (PMID: 39321216). In summary, the available evidence is currently insufficient to determine the role of this variant in disease. Therefore, it has been classified as a Variant of Uncertain Significance.

PreventionGenetics, part of Exact Sciences
Classification: Uncertain significance for SDHA-related condition. Last evaluated: 2025-12-10. Review status: criteria provided, single submitter. Criteria: ACMG Guidelines, 2015. Collection method: clinical testing. Allele origin: germline.
Comment: The SDHA c.935G>A variant is predicted to result in the amino acid substitution p.Arg312His. This variant was reported in an individual with paraganglioma (Ma et al. 2020. PubMed ID: 33362715), and in vitro functional analysis determined the p.Arg312His variant resulted in reduced SDH activity compared to wild-type (Figure 5 and Supplemental Table 1, Kent et al. 2024. PubMed ID: 39321216). This variant is reported in 0.0029% of alleles in individuals of Latino descent in gnomAD and is classified as a variant of uncertain significance in ClinVar (Variation ID: 571301). At this time, the clinical significance of this variant is uncertain due to the absence of conclusive functional and genetic evidence.

Ambry Genetics
Classification: Likely pathogenic for Hereditary cancer-predisposing syndrome. Last evaluated: 2025-12-03. Review status: criteria provided, single submitter. Criteria: Ambry Variant Classification Scheme 2023. Collection method: clinical testing. Allele origin: germline.
Comment: The p.R312H variant (also known as c.935G>A), located in coding exon 8 of the SDHA gene, results from a G to A substitution at nucleotide position 935. The arginine at codon 312 is replaced by histidine, an amino acid with highly similar properties. This variant was reported in individual(s) with features consistent with SDHA-related hereditary pheochromocytoma-paraganglioma (Ma X et al. Front Endocrinol (Lausanne), 2020 Dec;11:574662; Ambry internal data). Based on internal structural analysis, R312H disrupts a key residue in the active site of SDHA (Reid GA et al. Biochim Biophys Acta, 2000 Aug;1459:310-5; Tomasiak TM et al. EcoSal Plus, 2007 Apr;2; Zhou Q et al. Protein Cell, 2011 Jul;2:531-42; Sharma P et al. Proc Natl Acad Sci U S A, 2020 Sep;117:23548-23556). This amino acid position is highly conserved in available vertebrate species. In addition, this alteration is predicted to be deleterious by in silico analysis. This variant is considered to be rare based on population cohorts in the Genome Aggregation Database (gnomAD). Based on the majority of available evidence to date, this variant is likely to be pathogenic.

Baylor Genetics
Classification: Uncertain significance for Dilated cardiomyopathy 1GG. Last evaluated: 2023-09-19. Review status: criteria provided, single submitter. Criteria: ACMG Guidelines, 2015. Collection method: clinical testing. Allele origin: unknown.

Literature cited by the submitters: PubMed 33362715 (cited by Labcorp Genetics (formerly Invitae), Labcorp and Ambry Genetics); PubMed 39321216 (cited by Labcorp Genetics (formerly Invitae), Labcorp); PubMed 11004445 (cited by Ambry Genetics); PubMed 21822798 (cited by Ambry Genetics); PubMed 26443593 (cited by Ambry Genetics); PubMed 29514959 (cited by Ambry Genetics); PubMed 32887801 (cited by Ambry Genetics).

NM_004168.4(SDHA):c.935G>A (p.Arg312His)

Gene: SDHA (succinate dehydrogenase complex flavoprotein subunit A; plus strand). Cytogenetic location: 5p15.33.
Variant type: single nucleotide variant.
Coding change: c.935G>A on transcript NM_004168.4 (MANE Select); coding-DNA position 935, G replaced by A.
Protein change: p.Arg312His; replaces arginine 312 with histidine.
Molecular consequence: missense variant.
Genome position (GRCh38, 1-based): chr5:233,516, G>A. VCF-style: chr5-233516-G-A. GRCh37 (hg19) VCF-style: chr5-233631-G-A.
Other names: c.791G>A, p.Arg264His (NM_001294332.2); c.935G>A, p.Arg312His (NM_001330758.2); short protein forms R312H, R264H.
Identifiers: ClinVar variation 571301 (VCV000571301.23), dbSNP rs876660932, ClinGen allele CA359012608.